The following is an entry in ClinVar:

NM_006269.2(RP1):c.6407G>T (p.Trp2136Leu)

Gene: RP1 (RP1 axonemal microtubule associated; plus strand). Cytogenetic location: 8q12.1.
Variant type: single nucleotide variant.
Coding change: c.6407G>T on transcript NM_006269.2 (MANE Select); coding-DNA position 6407, G replaced by T.
Protein change: p.Trp2136Leu; replaces tryptophan 2136 with leucine.
Molecular consequence: missense variant. On other transcripts: intron variant (1).
Genome position (GRCh38, 1-based): chr8:54,630,289, G>T. VCF-style: chr8-54630289-G-T. GRCh37 (hg19) VCF-style: chr8-55542849-G-T.
Other names: c.787+8001G>T (NM_001375654.1); short protein forms W2136L.
Identifiers: ClinVar variation 965744 (VCV000965744.9), dbSNP rs1806218567, ClinGen allele CA370992014.
Genomic context (GRCh38, chr8:54,630,289, plus strand): 5'-ATATTAGCAACAGAAATATTTTAGAACTTTGTATGTTTGAGGGTGAAAATCTTTTCATTT[G>T]GGAAGAGGAAGACATATTAAATTTAACTGATCTTGAAAGCAGTAGAGAACAAGAAGATTT-3'
Protein context (NP_006260.1, residues 2126-2146): CMFEGENLFI[Trp2136Leu]EEEDILNLTD

ClinVar aggregate classification (germline): Uncertain significance (1 of 4 stars; one submission).

Submission:

Labcorp Genetics (formerly Invitae), Labcorp
Classification: Uncertain significance. Last evaluated: 2019-11-06. Review status: criteria provided, single submitter. Criteria: Invitae Variant Classification Sherloc (09022015). Collection method: clinical testing. Allele origin: germline.
Comment: This sequence change replaces tryptophan with leucine at codon 2136 of the RP1 protein (p.Trp2136Leu). The tryptophan residue is moderately conserved and there is a small physicochemical difference between tryptophan and leucine. This variant is not present in population databases (ExAC no frequency). This variant has not been reported in the literature in individuals with RP1-related conditions. Algorithms developed to predict the effect of missense changes on protein structure and function are either unavailable or do not agree on the potential impact of this missense change (SIFT: "Tolerated"; PolyPhen-2: "Probably Damaging"; Align-GVGD: "Class C0"). In summary, the available evidence is currently insufficient to determine the role of this variant in disease. Therefore, it has been classified as a Variant of Uncertain Significance.